The following is an entry in ClinVar:

NM_016239.4(MYO15A):c.8090T>C (p.Val2697Ala)

Gene: MYO15A (myosin XVA; plus strand). Cytogenetic location: 17p11.2.
Variant type: single nucleotide variant.
Coding change: c.8090T>C on transcript NM_016239.4 (MANE Select); coding-DNA position 8090, T replaced by C.
Protein change: p.Val2697Ala; replaces valine 2697 with alanine.
Molecular consequence: missense variant.
Genome position (GRCh38, 1-based): chr17:18,154,132, T>C. VCF-style: chr17-18154132-T-C. GRCh37 (hg19) VCF-style: chr17-18057446-T-C.
Other names: short protein forms V2697A.
Identifiers: ClinVar variation 45764 (VCV000045764.24), dbSNP rs200451098, ClinGen allele CA137016.

ClinVar aggregate classification (germline): Pathogenic/Likely pathogenic. Review status: criteria provided, multiple submitters, no conflicts (2 of 4 stars). 12 submissions from 12 submitters: Pathogenic (5); Likely pathogenic (4). 3 of the submissions do not count toward it. Last evaluated 2025-11-13.

Conditions:
MYO15A-related disorder. Also called: MYO15A-related condition.
Rare genetic deafness. Identifiers: Orphanet 96210, MedGen C5680250.
Autosomal recessive nonsyndromic hearing loss 3. Also called: NEUROSENSORY NONSYNDROMIC RECESSIVE DEAFNESS 3. Identifiers: Orphanet 90636, MedGen C1838263, MONDO:0010860, OMIM 600316.

Allele frequency attached by ClinVar (database versions not stated): TOPMed 0.00002; gnomAD exomes 0.00010 and 0.00026; gnomAD 0.00013; ExAC 0.00036.
gnomAD v4.1: 173 of 1,613,796 alleles (0.011%); highest among the groups gnomAD compares: Non-Finnish European, 0.0078%; no homozygotes.

Submissions (12):

Variantyx, Inc.
Classification: Pathogenic for Autosomal recessive nonsyndromic hearing loss 3. Last evaluated: 2025-11-13. Review status: criteria provided, single submitter. Criteria: Variantyx Assertion Criteria 2022. Collection method: clinical testing. Allele origin: germline. Inheritance: Autosomal recessive inheritance. Affected: no.
Comment: This is a nonsynonymous variant in the MYO15A gene (OMIM: 602666). Pathogenic variants in this gene have been associated with autosomal recessive deafness 3. This variant has been identified in the homozygous or compound heterozygous state in at least five individuals reported in the published literature (PMID: 23208854, 33398081, 30622556) (PM3), and it has been observed to segregate with disease in at least three individuals from two families (PMID: 23208854, 33398081) (PP1). Multiple computational algorithms predict a deleterious effect for this variant (REVEL score: 0.856) (PP3). This variant has a 0.0078% maximum allele frequency in non-founder control populations. Based on the current evidence, this variant is classified as pathogenic for autosomal recessive deafness 3.

Labcorp Genetics (formerly Invitae), Labcorp
Classification: Pathogenic. Last evaluated: 2025-08-22. Review status: criteria provided, single submitter. Criteria: Invitae Variant Classification Sherloc (09022015). Collection method: clinical testing. Allele origin: germline.
Comment: This sequence change replaces valine, which is neutral and non-polar, with alanine, which is neutral and non-polar, at codon 2697 of the MYO15A protein (p.Val2697Ala). This variant is present in population databases (rs200451098, gnomAD 0.1%), including at least one homozygous and/or hemizygous individual. This missense change has been observed in individual(s) with deafness (PMID: 23208854, 30622556, 32860223, 33398081). In at least one individual the data is consistent with being in trans (on the opposite chromosome) from a pathogenic variant. ClinVar contains an entry for this variant (Variation ID: 45764). Experimental studies and prediction algorithms are not available or were not evaluated, and the functional significance of this variant is currently unknown. For these reasons, this variant has been classified as Pathogenic.

Women's Health and Genetics/Laboratory Corporation of America, LabCorp
Classification: Pathogenic for Autosomal recessive nonsyndromic hearing loss 3. Last evaluated: 2025-04-09. Review status: criteria provided, single submitter. Criteria: LabCorp Variant Classification Summary - May 2015. Collection method: clinical testing. Allele origin: germline.
Comment: Variant summary: MYO15A c.8090T>C (p.Val2697Ala) results in a non-conservative amino acid change in the encoded protein sequence. Five of five in-silico tools predict a damaging effect of the variant on protein function. The variant allele was found at a frequency of 0.00026 in 249462 control chromosomes in the gnomAD database, including 1 homozygote. This frequency is not significantly higher than estimated for a pathogenic variant in MYO15A causing Autosomal Recessive Nonsyndromic Hearing Loss 3, allowing no conclusion about variant significance. c.8090T>C has been reported in the literature in multiple individuals affected with Autosomal Recessive Nonsyndromic Hearing Loss 3 (e.g., Schrauwen_2013, Morgan_2018, Safka Brozkova_2020, Hirsch_2021), segregating with disease in several families in compound heterozygosity with pathogenic variants. These data indicate that the variant is very likely to be associated with disease. The following publications have been ascertained in the context of this evaluation (PMID: 23208854, 30622556, 32860223, 33398081). ClinVar contains an entry for this variant (Variation ID: 45764). Based on the evidence outlined above, the variant was classified as pathogenic.

Blueprint Genetics
Classification: Pathogenic for MYO15A-related disorders. Last evaluated: 2024-11-07. Review status: criteria provided, single submitter. Criteria: ACMG Guidelines, 2015. Collection method: clinical testing. Allele origin: germline. Affected: yes. Observed: 5 variant alleles.

GeneDx
Classification: Likely pathogenic. Last evaluated: 2024-09-30. Review status: criteria provided, single submitter. Criteria: GeneDx Variant Classification Process June 2021. Collection method: clinical testing. Allele origin: germline. Affected: yes.
Comment: In silico analysis supports that this missense variant has a deleterious effect on protein structure/function; This variant is associated with the following publications: (PMID: 34093702, 30245029, 30622556, 27344577, 33398081, 33726816, 32860223, 23208854)

Fulgent Genetics
Classification: Likely pathogenic for Autosomal recessive nonsyndromic hearing loss 3. Last evaluated: 2024-03-26. Review status: criteria provided, single submitter. Criteria: ACMG Guidelines, 2015. Collection method: clinical testing. Allele origin: germline.

Pittsburgh Clinical Genomics Laboratory, University of Pittsburgh Medical Center
Classification: Likely pathogenic for Autosomal recessive nonsyndromic hearing loss 3. Last evaluated: 2023-07-18. Review status: criteria provided, single submitter. Criteria: ACMG Guidelines, 2015. Collection method: clinical testing. Allele origin: germline. Inheritance: Autosomal recessive inheritance. Affected: yes.
Comment: This sequence variant is a single nucleotide substitution (T>C) at position 8090 of the coding sequence of the MYO15A gene that results in a valine to alanine amino acid change at residue 2697 of the myosin XVA protein. This is a previously reported variant (ClinVar 45764) that has been observed in many individuals affected by sensorineural hearing loss and segregates with disease across multiple pedigrees (PMID: 27344577, 30622556, 32387678, 33398081). This variant is present in 73 of 280832 alleles (0.0260%) in the gnomAD population dataset. Multiple bioinformatic tools predict that this Val to Ala amino acid change would be damaging, and the Val2697 residue at this position is highly conserved across the vertebrate species examined. Studies examining the functiol consequence of this variant have not been performed, to our knowledge. Based upon the evidence, we consider this variant to be likely pathogenic. ACMG Criteria: PM2, PM3, PP3, PS4

Laboratory for Molecular Medicine, Mass General Brigham Personalized Medicine
Classification: Likely pathogenic for Rare genetic deafness. Last evaluated: 2021-08-17. Review status: criteria provided, single submitter. Criteria: ACMG Guidelines, 2015. Collection method: clinical testing. Allele origin: germline. Inheritance: Autosomal recessive inheritance.
Comment: The p.Val2697Ala variant in MYO15A has been reported in at least 7 individuals with hearing loss, 4 of which were found in the compound heterozygous state with another likely pathogenic or pathogenic variant and one in the homozygous state. It also segregated with disease in 2 affected individuals from 1 family (Schrauwen 2013 PMID: 23208854, Mikstiene 2017, Morgan 2018 PMID: 30622556, Safka Brozkova 2020 PMID: 32860223, Hirsch 2021). It has also been identified in 0.11% (29/25016) of Finnish and 0.03% (43/128624) of European chromosomes by gnomAD. This variant has also been reported in ClinVar (Variation ID 45764). Computational prediction tools and conservation analyses suggest that this variant may impact the protein, though this information is not predictive enough to determine pathogenicity. In summary, although additional studies are required to fully establish its clinical significance, this variant meets criteria to be classified as likely pathogenic for autosomal recessive hearing loss. ACMG/AMP Criteria applied: PM3_Strong, PP1_Supporting, PP3, BS1_Supporting.

Laboratory of Prof. Karen Avraham, Tel Aviv University
Classification: Pathogenic for Autosomal recessive nonsyndromic hearing loss 3. Last evaluated: 2020-10-27. Review status: criteria provided, single submitter. Criteria: ACMG Guidelines, 2015. Collection method: research. Allele origin: germline. Affected: yes.
Comment: Recessive, congenital SNHL

Homozygous; compound heterozygous with NM_016239.4:c.4751dup; compound heterozygous with NM_016239.4:c.9861C>T

Clinical Genetics Laboratory, University Hospital Schleswig-Holstein
Classification: Pathogenic for Autosomal recessive nonsyndromic hearing loss 3. Last evaluated: 2023-11-09. Review status: no assertion criteria provided. Collection method: clinical testing. Allele origin: germline. Affected: yes. Not counted in ClinVar's aggregate classification.

Clinical Genetics DNA and cytogenetics Diagnostics Lab, Erasmus MC, Erasmus Medical Center
Classification: Likely pathogenic. Review status: no assertion criteria provided. Collection method: clinical testing. Allele origin: germline. Affected: yes. Study: VKGL Data-share Consensus. Not counted in ClinVar's aggregate classification.

Joint Genome Diagnostic Labs from Nijmegen and Maastricht, Radboudumc and MUMC+
Classification: Likely pathogenic. Review status: no assertion criteria provided. Collection method: clinical testing. Allele origin: germline. Affected: yes. Study: VKGL Data-share Consensus. Not counted in ClinVar's aggregate classification.

Literature cited by the submitters: PubMed 23208854 (cited by 4 submitters); PubMed 33398081 (cited by 4 submitters); PubMed 30622556 (cited by 5 submitters); PubMed 32860223 (cited by 3 submitters); PubMed 27344577 (cited by Pittsburgh Clinical Genomics Laboratory, University of Pittsburgh Medical Center); PubMed 32387678 (cited by Pittsburgh Clinical Genomics Laboratory, University of Pittsburgh Medical Center).